The following is an entry in ClinVar:

NM_001204.7(BMPR2):c.235C>T (p.Leu79Phe)

Gene: BMPR2 (bone morphogenetic protein receptor type 2; plus strand). Cytogenetic location: 2q33.1.
Variant type: single nucleotide variant.
Coding change: c.235C>T on transcript NM_001204.7 (MANE Select); coding-DNA position 235, C replaced by T.
Protein change: p.Leu79Phe; replaces leucine 79 with phenylalanine.
Molecular consequence: missense variant.
Genome position (GRCh38, 1-based): chr2:202,464,967, C>T. VCF-style: chr2-202464967-C-T. GRCh37 (hg19) VCF-style: chr2-203329690-C-T.
Other names: short protein forms L79F.
Identifiers: ClinVar variation 2586861 (VCV002586861.3), dbSNP rs771035488, ClinGen allele CA350399463.

ClinVar aggregate classification (germline): Uncertain significance (1 of 4 stars; one submission).

Conditions:
Inborn genetic diseases. Identifiers: MedGen C0950123, MeSH D030342.

Allele frequency attached by ClinVar (database versions not stated): TOPMed below 0.00001.

Submission:

Ambry Genetics
Classification: Uncertain significance for Inborn genetic diseases. Last evaluated: 2025-07-28. Review status: criteria provided, single submitter. Criteria: Ambry Variant Classification Scheme 2023. Collection method: clinical testing. Allele origin: germline.
Comment: The p.L79F variant (also known as c.235C>T), located in coding exon 2 of the BMPR2 gene, results from a C to T substitution at nucleotide position 235. The leucine at codon 79 is replaced by phenylalanine, an amino acid with highly similar properties. This amino acid position is conserved. In addition, this alteration is predicted to be deleterious by in silico analysis. Since supporting evidence is limited at this time, the clinical significance of this alteration remains unclear.